The following is an entry in ClinVar:

NM_004994.3(MMP9):c.820G>A (p.Glu274Lys)

Gene: MMP9 (matrix metallopeptidase 9; plus strand). Cytogenetic location: 20q13.12.
Variant type: single nucleotide variant.
Coding change: c.820G>A on transcript NM_004994.3 (MANE Select); coding-DNA position 820, G replaced by A.
Protein change: p.Glu274Lys; replaces glutamic acid 274 with lysine.
Molecular consequence: missense variant.
Genome position (GRCh38, 1-based): chr20:46,011,313, G>A. VCF-style: chr20-46011313-G-A. GRCh37 (hg19) VCF-style: chr20-44639952-G-A.
Other names: short protein forms E274K.
Identifiers: ClinVar variation 896096 (VCV000896096.8), dbSNP rs367601348, ClinGen allele CA9886510.

ClinVar aggregate classification (germline): Uncertain significance. Review status: criteria provided, multiple submitters, no conflicts (2 of 4 stars). 2 submissions from 2 submitters: Uncertain significance (2). Last evaluated 2025-07-14.

Conditions:
Metaphyseal anadysplasia 2 (MANDP2). Also called: Metaphyseal anadysplasia 2, autosomal recessive. Identifiers: Orphanet 1040, MedGen C2751322, MONDO:0013113, OMIM 613073.

Allele frequency attached by ClinVar (database versions not stated): TOPMed 0.00001; gnomAD exomes 0.00003 and 0.00007; gnomAD 0.00005; ExAC 0.00006; ESP Exome Variant Server 0.00008.
gnomAD v4.1: 49 of 1,601,940 alleles (0.0031%); highest among the groups gnomAD compares: Non-Finnish European, 0.0025%; no homozygotes.

Submissions (2):

Labcorp Genetics (formerly Invitae), Labcorp
Classification: Uncertain significance. Last evaluated: 2025-07-14. Review status: criteria provided, single submitter. Criteria: Invitae Variant Classification Sherloc (09022015). Collection method: clinical testing. Allele origin: germline.
Comment: This sequence change replaces glutamic acid, which is acidic and polar, with lysine, which is basic and polar, at codon 274 of the MMP9 protein (p.Glu274Lys). This variant is present in population databases (rs367601348, gnomAD 0.01%). This variant has not been reported in the literature in individuals affected with MMP9-related conditions. ClinVar contains an entry for this variant (Variation ID: 896096). Invitae Evidence Modeling of protein sequence and biophysical properties (such as structural, functional, and spatial information, amino acid conservation, physicochemical variation, residue mobility, and thermodynamic stability) indicates that this missense variant is expected to disrupt MMP9 protein function with a positive predictive value of 80%. In summary, the available evidence is currently insufficient to determine the role of this variant in disease. Therefore, it has been classified as a Variant of Uncertain Significance.

Illumina Laboratory Services, Illumina
Classification: Uncertain significance for Metaphyseal anadysplasia 2. Last evaluated: 2018-01-12. Review status: criteria provided, single submitter. Criteria: ICSL Variant Classification Criteria 13 December 2019. Collection method: clinical testing. Allele origin: germline.